The following is an entry in ClinVar:

ClinVar aggregate classification (germline): Uncertain significance (1 of 4 stars; one submission).

Allele frequency attached by ClinVar (database versions not stated): gnomAD exomes below 0.00001.
gnomAD v4.1: 1 of 1,552,528 alleles (0.000064%); highest among the groups gnomAD compares: Non-Finnish European, 0.000087%; no homozygotes.

Submission:

Labcorp Genetics (formerly Invitae), Labcorp
Classification: Uncertain significance. Last evaluated: 2022-11-11. Review status: criteria provided, single submitter. Criteria: Invitae Variant Classification Sherloc (09022015). Collection method: clinical testing. Allele origin: germline.
Comment: This sequence change replaces valine, which is neutral and non-polar, with isoleucine, which is neutral and non-polar, at codon 369 of the PACS2 protein (p.Val369Ile). This variant is not present in population databases (gnomAD no frequency). This variant has not been reported in the literature in individuals affected with PACS2-related conditions. Algorithms developed to predict the effect of missense changes on protein structure and function output the following: SIFT: "Tolerated"; PolyPhen-2: "Benign"; Align-GVGD: "Class C0". The isoleucine amino acid residue is found in multiple mammalian species, which suggests that this missense change does not adversely affect protein function. In summary, the available evidence is currently insufficient to determine the role of this variant in disease. Therefore, it has been classified as a Variant of Uncertain Significance.

NM_001100913.3(PACS2):c.1105G>A (p.Val369Ile)

Gene: PACS2 (phosphofurin acidic cluster sorting protein 2; plus strand). Cytogenetic location: 14q32.33.
Variant type: single nucleotide variant.
Coding change: c.1105G>A on transcript NM_001100913.3 (MANE Select); coding-DNA position 1105, G replaced by A.
Protein change: p.Val369Ile; replaces valine 369 with isoleucine.
Molecular consequence: missense variant.
Genome position (GRCh38, 1-based): chr14:105,380,134, G>A. VCF-style: chr14-105380134-G-A. GRCh37 (hg19) VCF-style: chr14-105846471-G-A.
Other names: c.880G>A, p.Val294Ile (NM_001243127.3); c.1105G>A, p.Val369Ile (NM_015197.4); short protein forms V294I, V369I.
Identifiers: ClinVar variation 2900119 (VCV002900119.3), dbSNP rs2544791216, ClinGen allele CA391180791.